The following is an entry in ClinVar:

ClinVar aggregate classification (germline): Uncertain significance. Review status: criteria provided, multiple submitters, no conflicts (2 of 4 stars). 4 submissions from 4 submitters: Uncertain significance (2). 2 of the submissions do not count toward it. Last evaluated 2024-04-17.

Conditions:
Left ventricular noncompaction 8 (LVNC8). Identifiers: Orphanet 154, Orphanet 54260, MedGen C3809288, MONDO:0014152, OMIM 615373.

Allele frequency attached by ClinVar (database versions not stated): gnomAD exomes 0.00001; TOPMed 0.00001; gnomAD 0.00001.
gnomAD v4.1: 16 of 1,612,290 alleles (0.00099%); highest among the groups gnomAD compares: Middle Eastern, 0.049%; 1 homozygote.

Submissions (4):

Labcorp Genetics (formerly Invitae), Labcorp
Classification: Uncertain significance for Left ventricular noncompaction 8. Last evaluated: 2024-04-17. Review status: criteria provided, single submitter. Criteria: Invitae Variant Classification Sherloc (09022015). Collection method: clinical testing. Allele origin: germline.
Comment: This sequence change replaces lysine, which is basic and polar, with arginine, which is basic and polar, at codon 1094 of the PRDM16 protein (p.Lys1094Arg). This variant is present in population databases (no rsID available, gnomAD 0.002%). This missense change has been observed in individual(s) with dilated cardiomyopathy or hypertrophic cardiomyopathy (PMID: 30847666). ClinVar contains an entry for this variant (Variation ID: 541383). An algorithm developed to predict the effect of missense changes on protein structure and function (PolyPhen-2) suggests that this variant is likely to be tolerated. In summary, the available evidence is currently insufficient to determine the role of this variant in disease. Therefore, it has been classified as a Variant of Uncertain Significance.

Fulgent Genetics
Classification: Uncertain significance for Left ventricular noncompaction 8. Last evaluated: 2018-10-31. Review status: criteria provided, single submitter. Criteria: ACMG Guidelines, 2015. Collection method: clinical testing. Allele origin: unknown.

Clinical Genetics, Academic Medical Center
Classification: Uncertain significance. Review status: no assertion criteria provided. Collection method: clinical testing. Allele origin: germline. Affected: yes. Study: VKGL Data-share Consensus. Not counted in ClinVar's aggregate classification.

Diagnostic Laboratory, Department of Genetics, University Medical Center Groningen
Classification: Uncertain significance. Review status: no assertion criteria provided. Collection method: clinical testing. Allele origin: germline. Affected: yes. Study: VKGL Data-share Consensus. Not counted in ClinVar's aggregate classification.

Literature cited by the submitters: PubMed 30847666 (cited by Labcorp Genetics (formerly Invitae), Labcorp).

NM_022114.4(PRDM16):c.3281A>G (p.Lys1094Arg)

Gene: PRDM16 (PR/SET domain 16; plus strand). Cytogenetic location: 1p36.32.
Variant type: single nucleotide variant.
Coding change: c.3281A>G on transcript NM_022114.4 (MANE Select); coding-DNA position 3281, A replaced by G.
Protein change: p.Lys1094Arg; replaces lysine 1094 with arginine.
Molecular consequence: missense variant.
Genome position (GRCh38, 1-based): chr1:3,426,222, A>G. VCF-style: chr1-3426222-A-G. GRCh37 (hg19) VCF-style: chr1-3342786-A-G.
Other names: c.3281A>G, p.Lys1094Arg (NM_199454.3); short protein forms K1094R.
Identifiers: ClinVar variation 541383 (VCV000541383.12), dbSNP rs947863770, ClinGen allele CA16985292.